The following is an entry in ClinVar:

NM_000038.6(APC):c.3536A>G (p.Tyr1179Cys)

Gene: APC (APC regulator of Wnt signaling pathway; plus strand). Cytogenetic location: 5q22.2.
Variant type: single nucleotide variant.
Coding change: c.3536A>G on transcript NM_000038.6 (MANE Select); coding-DNA position 3536, A replaced by G.
Protein change: p.Tyr1179Cys; replaces tyrosine 1179 with cysteine.
Molecular consequence: missense variant.
Genome position (GRCh38, 1-based): chr5:112,839,130, A>G. VCF-style: chr5-112839130-A-G. GRCh37 (hg19) VCF-style: chr5-112174827-A-G.
Other names: c.3536A>G, p.Tyr1179Cys (NM_001127510.3, NM_001354895.2); c.3482A>G, p.Tyr1161Cys (NM_001127511.3); c.3590A>G, p.Tyr1197Cys (NM_001354896.2); c.3566A>G, p.Tyr1189Cys (NM_001354897.2); c.3461A>G, p.Tyr1154Cys (NM_001354898.2); c.3452A>G, p.Tyr1151Cys (NM_001354899.2); c.3413A>G, p.Tyr1138Cys (NM_001354900.2); c.3359A>G, p.Tyr1120Cys (NM_001354901.2); and 5 more; short protein forms Y1161C, Y1179C, Y1019C, Y1053C, Y1078C, Y1138C, Y1197C, Y896C.
Identifiers: ClinVar variation 418011 (VCV000418011.24), dbSNP rs777568434, ClinGen allele CA035663.

ClinVar aggregate classification (germline): Conflicting classifications of pathogenicity. Review status: criteria provided, conflicting classifications (1 of 4 stars). 6 submissions from 6 submitters: Uncertain significance (5); Likely benign (1). Last evaluated 2026-07-06.

Conditions:
Hereditary cancer-predisposing syndrome. Also called: Neoplastic Syndromes, Hereditary; Hereditary Cancer Syndrome; Tumor predisposition; Hereditary neoplastic syndrome. Identifiers: Orphanet 140162, MedGen C0027672, MeSH D009386, MONDO:0015356.
Classic or attenuated familial adenomatous polyposis. Identifiers: MedGen CN372698, MONDO:0021057.
Familial adenomatous polyposis 1 (FAP1). Also called: FAMILIAL ADENOMATOUS POLYPOSIS 1, ATTENUATED; POLYPOSIS, ADENOMATOUS INTESTINAL. Identifiers: MedGen C2713442, MONDO:0021056, OMIM 175100. Disease mechanism: loss of function.

Allele frequency attached by ClinVar (database versions not stated): TOPMed below 0.00001; ExAC 0.00001; gnomAD exomes 0.00001 and 0.00002.
gnomAD v4.1: 23 of 1,614,136 alleles (0.0014%); highest among the groups gnomAD compares: African/African-American, 0.0027%; no homozygotes.

Submissions (6):

Ambry Genetics
Classification: Likely benign for Hereditary cancer-predisposing syndrome. Last evaluated: 2026-07-06. Review status: criteria provided, single submitter. Criteria: Ambry Variant Classification Scheme 2023. Collection method: clinical testing. Allele origin: germline.

Labcorp Genetics (formerly Invitae), Labcorp
Classification: Uncertain significance for Familial adenomatous polyposis 1. Last evaluated: 2026-01-19. Review status: criteria provided, single submitter. Criteria: Invitae Variant Classification Sherloc (09022015). Collection method: clinical testing. Allele origin: germline.
Comment: This sequence change replaces tyrosine, which is neutral and polar, with cysteine, which is neutral and slightly polar, at codon 1179 of the APC protein (p.Tyr1179Cys). This variant is present in population databases (rs777568434, gnomAD 0.002%). This variant has not been reported in the literature in individuals affected with APC-related conditions. ClinVar contains an entry for this variant (Variation ID: 418011). Invitae Evidence Modeling of protein sequence and biophysical properties (such as structural, functional, and spatial information, amino acid conservation, physicochemical variation, residue mobility, and thermodynamic stability) indicates that this missense variant is not expected to disrupt APC protein function with a negative predictive value of 95%. In summary, the available evidence is currently insufficient to determine the role of this variant in disease. Therefore, it has been classified as a Variant of Uncertain Significance.

All of Us Research Program, National Institutes of Health
Classification: Uncertain significance for Classic or attenuated familial adenomatous polyposis. Last evaluated: 2024-05-30. Review status: criteria provided, single submitter. Criteria: ACMG Guidelines, 2015. Collection method: clinical testing. Allele origin: germline. Inheritance: Autosomal dominant inheritance. Observed: 3 variant alleles, 3 heterozygotes.
Comment: This missense variant replaces tyrosine with cysteine at codon 1179 of the APC protein. Computational prediction suggests that this variant may have deleterious impact on protein structure and function (internally defined REVEL score threshold >= 0.7, PMID: 27666373). To our knowledge, functional studies have not been reported for this variant. This variant has been reported in an individual affected with APC-related disease (ClinVar SCV000579806.7). This variant has been identified in 2/249886 chromosomes in the general population by the Genome Aggregation Database (gnomAD). The available evidence is insufficient to determine the role of this variant in disease conclusively. Therefore, this variant is classified as a Variant of Uncertain Significance.

This study involves interpretation of variants in research participants for the purpose of population health screening. Participant phenotype was not available at the time of variant classification. Additional details can be found in publication PMID: 35346344, PMCID: PMC8962531

Color Diagnostics, LLC DBA Color Health
Classification: Uncertain significance for Hereditary cancer-predisposing syndrome. Last evaluated: 2024-05-08. Review status: criteria provided, single submitter. Criteria: ACMG Guidelines, 2015. Collection method: clinical testing. Allele origin: germline.
Comment: This missense variant replaces tyrosine with cysteine at codon 1179 of the APC protein. Computational prediction suggests that this variant may have deleterious impact on protein structure and function (internally defined REVEL score threshold >= 0.7, PMID: 27666373). To our knowledge, functional studies have not been reported for this variant. This variant has been reported in an individual affected with APC-related disease (ClinVar SCV000579806.7). This variant has been identified in 2/249886 chromosomes in the general population by the Genome Aggregation Database (gnomAD). The available evidence is insufficient to determine the role of this variant in disease conclusively. Therefore, this variant is classified as a Variant of Uncertain Significance.

Baylor Genetics
Classification: Uncertain significance for Familial adenomatous polyposis 1. Last evaluated: 2023-12-19. Review status: criteria provided, single submitter. Criteria: ACMG Guidelines, 2015. Collection method: clinical testing. Allele origin: unknown.

GeneDx
Classification: Uncertain significance. Last evaluated: 2023-03-29. Review status: criteria provided, single submitter. Criteria: GeneDx Variant Classification Process June 2021. Collection method: clinical testing. Allele origin: germline. Affected: yes.
Comment: Not observed at significant frequency in large population cohorts (gnomAD); In silico analysis supports that this missense variant does not alter protein structure/function; Has not been previously published as pathogenic or benign to our knowledge